The following is an entry in ClinVar:

NM_002890.3(RASA1):c.2797G>A (p.Val933Met)

Genes: CCNH (cyclin H; minus strand), RASA1 (RAS p21 protein activator 1; plus strand). Cytogenetic location: 5q14.3.
Variant type: single nucleotide variant.
Coding change: c.2797G>A on transcript NM_002890.3 (MANE Select); coding-DNA position 2797, G replaced by A.
Protein change: p.Val933Met; replaces valine 933 with methionine.
Molecular consequence: missense variant. On other transcripts: intron variant (1).
Genome position (GRCh38, 1-based): chr5:87,385,339, G>A. VCF-style: chr5-87385339-G-A. GRCh37 (hg19) VCF-style: chr5-86681156-G-A.
Other names: c.2266G>A, p.Val756Met (NM_022650.3); c.933+9705C>T (NM_001364075.2); short protein forms V933M, V756M.
Identifiers: ClinVar variation 4739416 (VCV004739416.1).

ClinVar aggregate classification (germline): Uncertain significance (1 of 4 stars; one submission).

Conditions:
Capillary malformation-arteriovenous malformation syndrome. Also called: Capillary malformation-arteriovenous malformation. Identifiers: Orphanet 137667, MedGen C1842180, MONDO:0012016.

gnomAD v4.1: 13 of 1,611,640 alleles (0.00081%); highest among the groups gnomAD compares: South Asian, 0.013%; no homozygotes.

Submission:

Labcorp Genetics (formerly Invitae), Labcorp
Classification: Uncertain significance for Capillary malformation-arteriovenous malformation syndrome. Last evaluated: 2025-07-30. Review status: criteria provided, single submitter. Criteria: Invitae Variant Classification Sherloc (09022015). Collection method: clinical testing. Allele origin: germline.
Comment: This sequence change replaces valine, which is neutral and non-polar, with methionine, which is neutral and non-polar, at codon 933 of the RASA1 protein (p.Val933Met). This variant is present in population databases (rs753763488, gnomAD 0.02%). This variant has not been reported in the literature in individuals affected with RASA1-related conditions. An algorithm developed to predict the effect of missense changes on protein structure and function (PolyPhen-2) suggests that this variant is likely to be disruptive. In summary, the available evidence is currently insufficient to determine the role of this variant in disease. Therefore, it has been classified as a Variant of Uncertain Significance.